The following is an entry in ClinVar:

NM_021008.4(DEAF1):c.1474A>G (p.Lys492Glu)

Genes: DEAF1 (DEAF1 transcription factor; minus strand), LOC126861109 (BRD4-independent group 4 enhancer GRCh37_chr11:673917-675116; plus strand). Cytogenetic location: 11p15.5.
Variant type: single nucleotide variant.
Coding change: c.1474A>G on transcript NM_021008.4 (MANE Select); coding-DNA position 1474, A replaced by G.
Protein change: p.Lys492Glu; replaces lysine 492 with glutamic acid.
Molecular consequence: missense variant.
Genome position (GRCh38, 1-based): chr11:674,565, T>C on the plus strand (A>G on the coding strand, the complement: DEAF1 is on the minus strand). VCF-style: chr11-674565-T-C. GRCh37 (hg19) VCF-style: chr11-674565-T-C.
Other names: c.1207A>G, p.Lys403Glu (NM_001293634.2); c.748A>G, p.Lys250Glu (NM_001367390.1); short protein forms K250E, K403E, K492E.
Identifiers: ClinVar variation 1526313 (VCV001526313.2), dbSNP rs1483440239, ClinGen allele CA378923239.
Genomic context (GRCh38, chr11:674,565, plus strand): 5'-GGTCGTGTCTTCCCATTTGTTCCAAGGTTACCTCCTTCCGCTCTGCGTCAGCGTGGATCT[T>C]GGCCTGGTTTGTGGCAGCTTCTCGGTAGGTGCTGGCATGCTTGGCTTGCTCAAACAGCGT-3'
Protein context (NP_066288.2, residues 482-502): TYREAATNQA[Lys492Glu]IHADAERKEQ

ClinVar aggregate classification (germline): Uncertain significance (1 of 4 stars; one submission).

Allele frequency attached by ClinVar (database versions not stated): TOPMed below 0.00001; gnomAD 0.00001.
gnomAD v4.1: 1 of 1,613,964 alleles (0.000062%); highest among the groups gnomAD compares: Non-Finnish European, 0.000085%; no homozygotes.

Submission:

GeneDx
Classification: Uncertain significance. Last evaluated: 2022-03-16. Review status: criteria provided, single submitter. Criteria: GeneDx Variant Classification Process June 2021. Collection method: clinical testing. Allele origin: germline. Affected: yes.
Comment: Not observed at significant frequency in large population cohorts (gnomAD); In silico analysis supports that this missense variant does not alter protein structure/function; Has not been previously published as pathogenic or benign to our knowledge